The following is an entry in ClinVar:

ClinVar aggregate classification (germline): Uncertain significance (1 of 4 stars; one submission).

Allele frequency attached by ClinVar (database versions not stated): gnomAD exomes below 0.00001; TOPMed below 0.00001; gnomAD 0.00001.
gnomAD v4.1: 3 of 1,554,228 alleles (0.00019%); highest among the groups gnomAD compares: South Asian, 0.0012%; no homozygotes.

Submission:

Labcorp Genetics (formerly Invitae), Labcorp
Classification: Uncertain significance. Last evaluated: 2024-03-11. Review status: criteria provided, single submitter. Criteria: Invitae Variant Classification Sherloc (09022015). Collection method: clinical testing. Allele origin: germline.
Comment: This sequence change replaces glycine, which is neutral and non-polar, with arginine, which is basic and polar, at codon 1236 of the PCARE protein (p.Gly1236Arg). This variant is not present in population databases (gnomAD no frequency). This variant has not been reported in the literature in individuals affected with PCARE-related conditions. ClinVar contains an entry for this variant (Variation ID: 1063625). Algorithms developed to predict the effect of missense changes on protein structure and function output the following: SIFT: "Not Available"; PolyPhen-2: "Benign"; Align-GVGD: "Not Available". The arginine amino acid residue is found in multiple mammalian species, which suggests that this missense change does not adversely affect protein function. In summary, the available evidence is currently insufficient to determine the role of this variant in disease. Therefore, it has been classified as a Variant of Uncertain Significance.

NM_001029883.3(PCARE):c.3706G>C (p.Gly1236Arg)

Gene: PCARE (photoreceptor cilium actin regulator; minus strand). Cytogenetic location: 2p23.2.
Variant type: single nucleotide variant.
Coding change: c.3706G>C on transcript NM_001029883.3 (MANE Select); coding-DNA position 3706, G replaced by C.
Protein change: p.Gly1236Arg; replaces glycine 1236 with arginine.
Molecular consequence: missense variant.
Genome position (GRCh38, 1-based): chr2:29,065,030, C>G on the plus strand (G>C on the coding strand, the complement: PCARE is on the minus strand). VCF-style: chr2-29065030-C-G. GRCh37 (hg19) VCF-style: chr2-29287896-C-G.
Other names: short protein forms G1236R.
Identifiers: ClinVar variation 1063625 (VCV001063625.9), dbSNP rs1362178863, ClinGen allele CA346470981.